The following is an entry in ClinVar:

NM_001127464.1:c.11745C>G

Gene: ZNF469 (zinc finger protein 469; plus strand).
Variant type: single nucleotide variant.
Identifiers: ClinVar variation 4615479 (VCV004615479.1).

ClinVar aggregate classification (germline): Uncertain significance (1 of 4 stars; one submission).

Conditions:
Cardiovascular phenotype. Identifiers: MedGen CN230736.

Submission:

Ambry Genetics
Classification: Uncertain significance for Cardiovascular phenotype. Last evaluated: 2025-10-27. Review status: criteria provided, single submitter. Criteria: Ambry Variant Classification Scheme 2023. Collection method: clinical testing. Allele origin: germline.
Comment: The p.F3915L variant (also known as c.11745C>G), located in coding exon 2 of the ZNF469 gene, results from a C to G substitution at nucleotide position 11745. The phenylalanine at codon 3915 is replaced by leucine, an amino acid with highly similar properties. This amino acid position is conserved. In addition, this alteration is predicted to be tolerated by in silico analysis. Based on the available evidence, the clinical significance of this variant remains unclear.